The following is an entry in ClinVar:

ClinVar aggregate classification (germline): Uncertain significance (1 of 4 stars; one submission).

Allele frequency attached by ClinVar (database versions not stated): gnomAD exomes below 0.00001.
gnomAD v4.1: 3 of 1,614,042 alleles (0.00019%); highest among the groups gnomAD compares: Non-Finnish European, 0.00025%; no homozygotes.

Submission:

Ambry Genetics
Classification: Uncertain significance. Last evaluated: 2023-07-27. Review status: criteria provided, single submitter. Criteria: Ambry Variant Classification Scheme 2023. Collection method: clinical testing. Allele origin: germline.
Comment: The p.L226V variant (also known as c.676C>G), located in coding exon 5 of the BUB3 gene, results from a C to G substitution at nucleotide position 676. The leucine at codon 226 is replaced by valine, an amino acid with highly similar properties. This amino acid position is conserved. In addition, this alteration is predicted to be tolerated by in silico analysis. Since supporting evidence is limited at this time, the clinical significance of this alteration remains unclear.

NM_004725.4(BUB3):c.676C>G (p.Leu226Val)

Gene: BUB3 (BUB3 mitotic checkpoint protein; plus strand). Cytogenetic location: 10q26.13.
Variant type: single nucleotide variant.
Coding change: c.676C>G on transcript NM_004725.4 (MANE Select); coding-DNA position 676, C replaced by G.
Protein change: p.Leu226Val; replaces leucine 226 with valine.
Molecular consequence: missense variant.
Genome position (GRCh38, 1-based): chr10:123,162,335, C>G. VCF-style: chr10-123162335-C-G. GRCh37 (hg19) VCF-style: chr10-124921851-C-G.
Other names: c.676C>G, p.Leu226Val (NM_001007793.3); short protein forms L226V.
Identifiers: ClinVar variation 2620700 (VCV002620700.2), dbSNP rs2493766024, ClinGen allele CA378626644.